The following is an entry in ClinVar:

ClinVar aggregate classification (germline): Uncertain significance. Review status: criteria provided, multiple submitters, no conflicts (2 of 4 stars). 3 submissions from 3 submitters: Uncertain significance (3). Last evaluated 2025-04-08.

Conditions:
Congenital adrenal hyperplasia due to cytochrome P450 oxidoreductase deficiency. Also called: DISORDERED STEROIDOGENESIS DUE TO POR DEFICIENCY. Identifiers: Orphanet 95699, MedGen C1860042, MONDO:0013310, OMIM 613571.
Inborn genetic diseases. Identifiers: MedGen C0950123, MeSH D030342.

Allele frequency attached by ClinVar (database versions not stated): ExAC 0.00002; gnomAD 0.00004; gnomAD exomes 0.00004; TOPMed 0.00005; ESP Exome Variant Server 0.00008.
gnomAD v4.1: 61 of 1,612,180 alleles (0.0038%); highest among the groups gnomAD compares: African/African-American, 0.0053%; no homozygotes.

Submissions (3):

Ambry Genetics
Classification: Uncertain significance for Inborn genetic diseases. Last evaluated: 2025-04-08. Review status: criteria provided, single submitter. Criteria: Ambry Variant Classification Scheme 2023. Collection method: clinical testing. Allele origin: germline.

Labcorp Genetics (formerly Invitae), Labcorp
Classification: Uncertain significance for Congenital adrenal hyperplasia due to cytochrome P450 oxidoreductase deficiency. Last evaluated: 2024-12-02. Review status: criteria provided, single submitter. Criteria: Invitae Variant Classification Sherloc (09022015). Collection method: clinical testing. Allele origin: germline.
Comment: This sequence change replaces glutamic acid, which is acidic and polar, with valine, which is neutral and non-polar, at codon 53 of the POR protein (p.Glu53Val). This variant is present in population databases (rs376145249, gnomAD 0.008%). This variant has not been reported in the literature in individuals affected with POR-related conditions. ClinVar contains an entry for this variant (Variation ID: 360692). An algorithm developed to predict the effect of missense changes on protein structure and function (PolyPhen-2) suggests that this variant¬†is likely to be tolerated. In summary, the available evidence is currently insufficient to determine the role of this variant in disease. Therefore, it has been classified as a Variant of Uncertain Significance.

Illumina Laboratory Services, Illumina
Classification: Uncertain significance for Congenital adrenal hyperplasia due to cytochrome P450 oxidoreductase deficiency. Last evaluated: 2018-01-13. Review status: criteria provided, single submitter. Criteria: ICSL Variant Classification Criteria 13 December 2019. Collection method: clinical testing. Allele origin: germline.

NM_001395413.1(POR):c.149A>T (p.Glu50Val)

Gene: POR (cytochrome p450 oxidoreductase; plus strand). Cytogenetic location: 7q11.23.
Variant type: single nucleotide variant.
Coding change: c.149A>T on transcript NM_001395413.1 (MANE Select); coding-DNA position 149, A replaced by T.
Protein change: p.Glu50Val; replaces glutamic acid 50 with valine.
Molecular consequence: missense variant.
Genome position (GRCh38, 1-based): chr7:75,954,150, A>T. VCF-style: chr7-75954150-A-T. GRCh37 (hg19) VCF-style: chr7-75583468-A-T.
Other names: c.149A>T, p.Glu50Val (NM_001367562.3, NM_001382655.3, NM_001382657.2 and 3 more transcripts); short protein forms E50V.
Identifiers: ClinVar variation 360692 (VCV000360692.11), dbSNP rs376145249, ClinGen allele CA4303462.